The following is an entry in ClinVar:

ClinVar aggregate classification (germline): Likely benign (1 of 4 stars; one submission).

Conditions:
Malignant hyperthermia, susceptibility to, 5 (MHS5). Also called: CACNA1S-Related Malignant Hyperthermia Susceptibility. Identifiers: Orphanet 423, MedGen C1866077, MONDO:0011163, OMIM 601887.

Submission:

All of Us Research Program, National Institutes of Health
Classification: Likely benign for Malignant hyperthermia, susceptibility to, 5. Last evaluated: 2024-04-16. Review status: criteria provided, single submitter. Criteria: ACMG Guidelines, 2015. Collection method: clinical testing. Allele origin: germline. Inheritance: Autosomal dominant inheritance. Observed: 1 variant allele, 1 heterozygote.
Comment: This study involves interpretation of variants in research participants for the purpose of population health screening. Participant phenotype was not available at the time of variant classification. Additional details can be found in publication PMID: 35346344, PMCID: PMC8962531

NM_000069.3(CACNA1S):c.1578G>A (p.Val526=)

Gene: CACNA1S (calcium voltage-gated channel subunit alpha1 S; minus strand). Cytogenetic location: 1q32.1.
Variant type: single nucleotide variant.
Coding change: c.1578G>A on transcript NM_000069.3 (MANE Select); coding-DNA position 1578, G replaced by A.
Protein change: p.Val526=; no amino-acid change (valine 526 retained).
Molecular consequence: synonymous variant.
Genome position (GRCh38, 1-based): chr1:201,077,920, C>T on the plus strand (G>A on the coding strand, the complement: CACNA1S is on the minus strand). VCF-style: chr1-201077920-C-T. GRCh37 (hg19) VCF-style: chr1-201047048-C-T.
Identifiers: ClinVar variation 3386379 (VCV003386379.1).
Genomic context (GRCh38, chr1:201,077,920, plus strand): 5'-AGCCGACCCCGGCACTCACTTGGTGATCTTGAAGATCCTCAGGAGGCGGATGCAGCGGAG[C>T]ACGGAGATGCCCAGGGGTGTCATGGCACCCGACTCCACCAGCAGGATCTCCAGGATACCG-3'
Protein context (NP_000060.2, residues 516-536): SGAMTPLGIS[Val526=]LRCIRLLRIF